The following is an entry in ClinVar:

NM_001244008.2(KIF1A):c.1325C>T (p.Ala442Val)

Gene: KIF1A (kinesin family member 1A; minus strand). Cytogenetic location: 2q37.3.
Variant type: single nucleotide variant.
Coding change: c.1325C>T on transcript NM_001244008.2 (MANE Select); coding-DNA position 1325, C replaced by T.
Protein change: p.Ala442Val; replaces alanine 442 with valine.
Molecular consequence: missense variant.
Genome position (GRCh38, 1-based): chr2:240,770,987, G>A on the plus strand (C>T on the coding strand, the complement: KIF1A is on the minus strand). VCF-style: chr2-240770987-G-A. GRCh37 (hg19) VCF-style: chr2-241710404-G-A.
Other names: c.1325C>T, p.Ala442Val (NM_001320705.2, NM_001330289.2, NM_001379638.1); c.1400C>T, p.Ala467Val (NM_001330290.2, NM_001379631.1, NM_001379634.1 and 2 more transcripts); c.1298C>T, p.Ala433Val (NM_001379632.1, NM_001379633.1, NM_001379636.1 and 10 more transcripts); c.1373C>T, p.Ala458Val (NM_001379637.1, NM_001379648.1); short protein forms A467V, A458V, A442V, A433V.
Identifiers: ClinVar variation 4993855 (VCV004993855.1).

ClinVar aggregate classification (germline): Uncertain significance (1 of 4 stars; one submission).

Conditions:
KIF1A-related disorder. Also called: KIF1A-related disorders; KIF1A-related condition.

Submission:

PreventionGenetics, part of Exact Sciences
Classification: Uncertain significance for KIF1A-related condition. Last evaluated: 2026-02-26. Review status: criteria provided, single submitter. Criteria: ACMG Guidelines, 2015. Collection method: clinical testing. Allele origin: germline.
Comment: The KIF1A c.1325C>T variant is predicted to result in the amino acid substitution p.Ala442Val. To our knowledge, this variant has not been reported in the literature or in a large population database (gnomAD), indicating this variant is rare. At this time, the clinical significance of this variant is uncertain due to the absence of conclusive functional and genetic evidence.